The following is an entry in ClinVar:

ClinVar aggregate classification (germline): Benign. Review status: criteria provided, multiple submitters, no conflicts (2 of 4 stars). 5 submissions from 4 submitters: Benign (5). Last evaluated 2026-02-04.

Conditions:
Congenital diarrhea 6. Identifiers: Orphanet 314373, MedGen C3553270, MONDO:0013825, OMIM 614616.
Intestinal obstruction in the newborn due to guanylate cyclase 2C deficiency. Identifiers: Orphanet 314376, MedGen C4518781, MONDO:0013843, OMIM 614665.

Submissions (5):

Labcorp Genetics (formerly Invitae), Labcorp
Classification: Benign. Last evaluated: 2026-02-04. Review status: criteria provided, single submitter. Criteria: Invitae Variant Classification Sherloc (09022015). Collection method: clinical testing. Allele origin: germline.

Mayo Clinic Laboratories, Mayo Clinic
Classification: Benign. Last evaluated: 2022-09-06. Review status: criteria provided, single submitter. Criteria: ACMG Guidelines, 2015. Collection method: clinical testing. Allele origin: germline. Observed: 94 variant alleles.

Genome-Nilou Lab
Classification: Benign for Congenital diarrhea 6. Last evaluated: 2021-08-10. Review status: criteria provided, single submitter. Criteria: ACMG Guidelines, 2015. Collection method: clinical testing. Allele origin: germline. Affected: no.

Genome-Nilou Lab
Classification: Benign for Intestinal obstruction in the newborn due to guanylate cyclase 2C deficiency. Last evaluated: 2021-08-10. Review status: criteria provided, single submitter. Criteria: ACMG Guidelines, 2015. Collection method: clinical testing. Allele origin: germline. Affected: no.

Laboratory for Molecular Medicine, Mass General Brigham Personalized Medicine
Classification: Benign. Last evaluated: 2016-03-29. Review status: criteria provided, single submitter. Criteria: LMM Criteria. Collection method: clinical testing. Allele origin: germline.
Comment: Variant identified in a genome or exome case(s) and assessed due to predicted null impact of the variant or pathogenic assertions in the literature or databases. Disclaimer: This variant has not undergone full assessment. The following are preliminary notes: Frequency

NM_004963.4(GUCY2C):c.612-11del

Genes: GUCY2C (guanylate cyclase 2C; minus strand), GUCY2C-AS1 (GUCY2C antisense RNA 1; plus strand). Cytogenetic location: 12p12.3.
Variant type: Deletion.
Coding change: c.612-11del on transcript NM_004963.4 (MANE Select); 11 bases into the intron before coding-DNA position 612, one base deleted (T; older notation c.612-11delT).
Molecular consequence: intron variant.
Genome position (GRCh38, 1-based): chr12:14,681,488, A deleted on the plus strand (T on the coding strand, the reverse complement: GUCY2C is on the minus strand); the first of 5 consecutive A bases (chr12:14,681,488-14,681,492); deleting any one gives the same sequence. VCF-style (leftmost placement, unchanged base first): chr12-14681487-GA-G. GRCh37 (hg19) VCF-style: chr12-14834421-GA-G.
Other names: p.?.
Identifiers: ClinVar variation 402917 (VCV000402917.16), dbSNP rs56944147, ClinGen allele CA6463699.